The following is an entry in ClinVar:

NM_001017995.3(SH3PXD2B):c.2122C>T (p.Arg708Cys)

Gene: SH3PXD2B (SH3 and PX domains 2B; minus strand). Cytogenetic location: 5q35.1.
Variant type: single nucleotide variant.
Coding change: c.2122C>T on transcript NM_001017995.3 (MANE Select); coding-DNA position 2122, C replaced by T.
Protein change: p.Arg708Cys; replaces arginine 708 with cysteine.
Molecular consequence: missense variant. On other transcripts: intron variant (1).
Genome position (GRCh38, 1-based): chr5:172,338,983, G>A on the plus strand (C>T on the coding strand, the complement: SH3PXD2B is on the minus strand). VCF-style: chr5-172338983-G-A. GRCh37 (hg19) VCF-style: chr5-171765987-G-A.
Other names: c.1188+7153C>T (NM_001308175.2); short protein forms R708C.
Identifiers: ClinVar variation 1451087 (VCV001451087.4), dbSNP rs545491323, ClinGen allele CA3561040.

ClinVar aggregate classification (germline): Uncertain significance (1 of 4 stars; one submission).

Allele frequency attached by ClinVar (database versions not stated): TOPMed 0.00003; gnomAD 0.00004; 1000 Genomes Project 30x 0.00016; 1000 Genomes Project 0.00020.
gnomAD v4.1: 22 of 1,614,058 alleles (0.0014%); highest among the groups gnomAD compares: African/African-American, 0.008%; no homozygotes.

Submission:

Labcorp Genetics (formerly Invitae), Labcorp
Classification: Uncertain significance. Last evaluated: 2021-08-20. Review status: criteria provided, single submitter. Criteria: Invitae Variant Classification Sherloc (09022015). Collection method: clinical testing. Allele origin: germline.
Comment: In summary, the available evidence is currently insufficient to determine the role of this variant in disease. Therefore, it has been classified as a Variant of Uncertain Significance. Algorithms developed to predict the effect of missense changes on protein structure and function are either unavailable or do not agree on the potential impact of this missense change (SIFT: "Deleterious"; PolyPhen-2: "Possibly Damaging"; Align-GVGD: "Class C0"). This variant has not been reported in the literature in individuals affected with SH3PXD2B-related conditions. This sequence change replaces arginine with cysteine at codon 708 of the SH3PXD2B protein (p.Arg708Cys). The arginine residue is moderately conserved and there is a large physicochemical difference between arginine and cysteine. This variant is present in population databases (rs545491323, ExAC 0.003%).